The following is an entry in ClinVar:

NM_006231.4(POLE):c.4150-107C>T

Gene: POLE (DNA polymerase epsilon, catalytic subunit; minus strand). Cytogenetic location: 12q24.33.
Variant type: single nucleotide variant.
Coding change: c.4150-107C>T on transcript NM_006231.4 (MANE Select); 107 bases into the intron before coding-DNA position 4150, C replaced by T.
Molecular consequence: intron variant.
Genome position (GRCh38, 1-based): chr12:132,644,084, G>A on the plus strand (C>T on the coding strand, the complement: POLE is on the minus strand). VCF-style: chr12-132644084-G-A. GRCh37 (hg19) VCF-style: chr12-133220670-G-A.
Identifiers: ClinVar variation 676497 (VCV000676497.2), dbSNP rs10870483, ClinGen allele CA13640031.
Genomic context (GRCh38, chr12:132,644,084, plus strand): 5'-TGTCTGTGGTACACACACAAAGCACACGCTATTCGGAGTCCTAGACTTCTGGTGCCCCTA[G>A]CGACGGGGTACACCCACCACGCCACAGTCCACCTCTCTCAATGATTACAACTAAAAACTC-3'

ClinVar aggregate classification (germline): Benign. Review status: criteria provided, multiple submitters, no conflicts (2 of 4 stars). 2 submissions from 2 submitters: Benign (2). Last evaluated 2018-06-20.

Allele frequency attached by ClinVar (database versions not stated): gnomAD exomes 0.60752; gnomAD 0.68370 and 0.68561; TOPMed 0.70289; 1000 Genomes Project 0.72744; 1000 Genomes Project 30x 0.73220.
gnomAD v4.1: 764,311 of 1,238,554 alleles (62%); highest among the groups gnomAD compares: African/African-American, 85%; 239,101 homozygotes.

Submissions (2):

GeneDx
Classification: Benign. Last evaluated: 2018-06-20. Review status: criteria provided, single submitter. Criteria: GeneDx Variant Classification (06012015). Collection method: clinical testing. Allele origin: germline. Affected: yes.
Comment: This variant is considered likely benign or benign based on one or more of the following criteria: it is a conservative change, it occurs at a poorly conserved position in the protein, it is predicted to be benign by multiple in silico algorithms, and/or has population frequency not consistent with disease.

Breakthrough Genomics
Classification: Benign. Review status: criteria provided, single submitter. Criteria: ACMG Guidelines, 2015. Collection method: not provided. Allele origin: germline. Inheritance: Autosomal recessive inheritance. Affected: yes.